The following is an entry in ClinVar:

NM_000384.3(APOB):c.2604+1G>A

Gene: APOB (apolipoprotein B; minus strand). Cytogenetic location: 2p24.1.
Variant type: single nucleotide variant.
Coding change: c.2604+1G>A on transcript NM_000384.3 (MANE Select); the canonical splice donor site of the intron after coding-DNA position 2604, G replaced by A.
Molecular consequence: splice donor variant.
Genome position (GRCh38, 1-based): chr2:21,023,524, C>T on the plus strand (G>A on the coding strand, the complement: APOB is on the minus strand). VCF-style: chr2-21023524-C-T. GRCh37 (hg19) VCF-style: chr2-21246396-C-T.
Identifiers: ClinVar variation 630334 (VCV000630334.23), dbSNP rs775345377, ClinGen allele CA056752.

ClinVar aggregate classification (germline): Likely pathogenic. Review status: criteria provided, multiple submitters, no conflicts (2 of 4 stars). 4 submissions from 4 submitters: Likely pathogenic (3). 1 of the submissions does not count toward it. Last evaluated 2025-11-19.

Conditions:
Hypercholesterolemia, autosomal dominant, type B (FHCL2). Also called: APOB-Related Familial Hypercholesterolemia, Autosomal Dominant; Familial hypercholesterolemia 2; Familial Hypercholesterolemia Type B; HYPERCHOLESTEROLEMIA, FAMILIAL, DUE TO LIGAND-DEFECTIVE APOLIPOPROTEIN B; Hyperlipoproteinemia Type IIb; APOLIPOPROTEIN B-100, FAMILIAL DEFECTIVE. Identifiers: MedGen C1704417, MONDO:0007751, OMIM 144010.
Familial hypobetalipoproteinemia 1. Also called: APOB-Related Familial Hypobetalipoproteinemia; Hypobetalipoproteinemia, normotriglyceridemic; Acanthocytosis with hypobetalipoproteinemia. Identifiers: MedGen C4551990, MONDO:0014252, OMIM 615558.

Allele frequency attached by ClinVar (database versions not stated): ExAC 0.00002; gnomAD 0.00002 and 0.00001; gnomAD exomes 0.00002; TOPMed 0.00003.
gnomAD v4.1: 29 of 1,613,968 alleles (0.0018%); highest among the groups gnomAD compares: East Asian, 0.0045%; no homozygotes.

Submissions (4):

Dasa
Classification: Likely pathogenic. Last evaluated: 2025-11-19. Review status: criteria provided, single submitter. Criteria: DASA Assertion Criteria. Collection method: clinical testing. Allele origin: germline.
Comment: NM_000384.3(APOB):c.2604+1G>A affects a canonical splice site and is predicted to disrupt normal RNA splicing. Loss of function is an established disease mechanism for APOB (PMID: 27179706; PMID: 1527480; PMID: 2843815). This variant has been recurrently observed in individuals with APOB-related disorders (PMID: 37138899; PMID: 30842500; PMID: 20032471). Also, this variant is rare in population databases. Based on the currently available evidence, this variant is classified as likely pathogenic.

Variantyx, Inc.
Classification: Likely pathogenic for Hypercholesterolemia, autosomal dominant, type B. Last evaluated: 2025-06-03. Review status: criteria provided, single submitter. Criteria: Variantyx Assertion Criteria 2022. Collection method: clinical testing. Allele origin: germline. Inheritance: Autosomal dominant inheritance.
Comment: This is a canonical splicing variant in the APOB gene (OMIM: 107730). Pathogenic variants in this gene have been associated with autosomal dominant familial hypercholesterolemia 2. This splicing variant is expected to result in loss of function, which is a known disease mechanism for APOB in this disorder (PMID: 37138899) (PVS1). This variant has a 0.0045% maximum allele frequency in non-founder control populations (PM2). Based on the current evidence, this variant is classified as likely pathogenic for autosomal dominant familial hypercholesterolemia 2.This variant was reported by previous genetic testing.

Labcorp Genetics (formerly Invitae), Labcorp
Classification: Likely pathogenic for Familial hypobetalipoproteinemia 1; Hypercholesterolemia, autosomal dominant, type B. Last evaluated: 2023-07-17. Review status: criteria provided, single submitter. Criteria: Invitae Variant Classification Sherloc (09022015). Collection method: clinical testing. Allele origin: germline.
Comment: This sequence change affects a donor splice site in intron 17 of the APOB gene. It is expected to disrupt RNA splicing. Variants that disrupt the donor or acceptor splice site typically lead to a loss of protein function (PMID: 16199547), and loss-of-function variants in APOB are known to be pathogenic (PMID: 20032471). This variant is present in population databases (rs775345377, gnomAD 0.004%). This variant has not been reported in the literature in individuals affected with APOB-related conditions. ClinVar contains an entry for this variant (Variation ID: 630334). Algorithms developed to predict the effect of sequence changes on RNA splicing suggest that this variant may disrupt the consensus splice site. In summary, the currently available evidence indicates that the variant is pathogenic, but additional data are needed to prove that conclusively. Therefore, this variant has been classified as Likely Pathogenic.

Metabolic Liver Diseases Lab, Fondazione IRCCS Ca Granda Policlinico, University of Milan
Classification: Likely pathogenic for Familial hypobetalipoproteinemia 1. Last evaluated: 2018-12-01. Review status: no assertion criteria provided. Collection method: case-control. Allele origin: germline. Affected: yes. Observed: 1 variant allele. Not counted in ClinVar's aggregate classification.

Literature cited by the submitters: PubMed 37138899 (cited by Dasa and Variantyx, Inc.); PubMed 30842500 (cited by Dasa and Metabolic Liver Diseases Lab, Fondazione IRCCS Ca Granda Policlinico, University of Milan); PubMed 20032471 (cited by Dasa and Labcorp Genetics (formerly Invitae), Labcorp); PubMed 27179706 (cited by Dasa); PubMed 1527480 (cited by Dasa); PubMed 2843815 (cited by Dasa); PubMed 16199547 (cited by Labcorp Genetics (formerly Invitae), Labcorp).